The following is an entry in ClinVar:

NM_006947.4(SRP72):c.1858A>T (p.Ser620Cys)

Gene: SRP72 (signal recognition particle 72; plus strand). Cytogenetic location: 4q12.
Variant type: single nucleotide variant.
Coding change: c.1858A>T on transcript NM_006947.4 (MANE Select); coding-DNA position 1858, A replaced by T.
Protein change: p.Ser620Cys; replaces serine 620 with cysteine.
Molecular consequence: missense variant. On other transcripts: non-coding transcript variant (1).
Genome position (GRCh38, 1-based): chr4:56,501,703, A>T. VCF-style: chr4-56501703-A-T. GRCh37 (hg19) VCF-style: chr4-57367869-A-T.
Other names: c.1675A>T, p.Ser559Cys (NM_001267722.2); short protein forms S620C, S559C.
Identifiers: ClinVar variation 2784328 (VCV002784328.3), dbSNP rs2545778003, ClinGen allele CA357003457.

ClinVar aggregate classification (germline): Uncertain significance (1 of 4 stars; one submission).

Submission:

Labcorp Genetics (formerly Invitae), Labcorp
Classification: Uncertain significance. Last evaluated: 2023-05-29. Review status: criteria provided, single submitter. Criteria: Invitae Variant Classification Sherloc (09022015). Collection method: clinical testing. Allele origin: germline.
Comment: This sequence change replaces serine, which is neutral and polar, with cysteine, which is neutral and slightly polar, at codon 620 of the SRP72 protein (p.Ser620Cys). This variant is not present in population databases (gnomAD no frequency). This variant has not been reported in the literature in individuals affected with SRP72-related conditions. Advanced modeling of protein sequence and biophysical properties (such as structural, functional, and spatial information, amino acid conservation, physicochemical variation, residue mobility, and thermodynamic stability) performed at Invitae indicates that this missense variant is expected to disrupt SRP72 protein function. In summary, the available evidence is currently insufficient to determine the role of this variant in disease. Therefore, it has been classified as a Variant of Uncertain Significance.